The following is an entry in ClinVar:

NM_001114748.2(TMEM240):c.178T>C (p.Tyr60His)

Gene: TMEM240 (transmembrane protein 240; minus strand). Cytogenetic location: 1p36.33.
Variant type: single nucleotide variant.
Coding change: c.178T>C on transcript NM_001114748.2 (MANE Select); coding-DNA position 178, T replaced by C.
Protein change: p.Tyr60His; replaces tyrosine 60 with histidine.
Molecular consequence: missense variant.
Genome position (GRCh38, 1-based): chr1:1,535,784, A>G on the plus strand (T>C on the coding strand, the complement: TMEM240 is on the minus strand). VCF-style: chr1-1535784-A-G. GRCh37 (hg19) VCF-style: chr1-1471164-A-G.
Other names: short protein forms Y60H.
Identifiers: ClinVar variation 1383404 (VCV001383404.6), dbSNP rs1642209135, ClinGen allele CA337867287.

ClinVar aggregate classification (germline): Uncertain significance (1 of 4 stars; one submission).

Allele frequency attached by ClinVar (database versions not stated): gnomAD exomes below 0.00001; gnomAD 0.00001; TOPMed 0.00001.
gnomAD v4.1: 4 of 1,549,688 alleles (0.00026%); highest among the groups gnomAD compares: Admixed American, 0.002%; no homozygotes.

Submission:

Labcorp Genetics (formerly Invitae), Labcorp
Classification: Uncertain significance. Last evaluated: 2021-03-30. Review status: criteria provided, single submitter. Criteria: Invitae Variant Classification Sherloc (09022015). Collection method: clinical testing. Allele origin: germline.
Comment: In summary, the available evidence is currently insufficient to determine the role of this variant in disease. Therefore, it has been classified as a Variant of Uncertain Significance. This sequence change replaces tyrosine with histidine at codon 60 of the TMEM240 protein (p.Tyr60His). The tyrosine residue is highly conserved and there is a moderate physicochemical difference between tyrosine and histidine. This variant is not present in population databases (ExAC no frequency). This variant has not been reported in the literature in individuals with TMEM240-related conditions. Algorithms developed to predict the effect of missense changes on protein structure and function (SIFT, PolyPhen-2, Align-GVGD) all suggest that this variant is likely to be disruptive, but these predictions have not been confirmed by published functional studies and their clinical significance is uncertain.